The following is an entry in ClinVar:

NM_000414.4(HSD17B4):c.*6A>G

Gene: HSD17B4 (hydroxysteroid 17-beta dehydrogenase 4; plus strand). Cytogenetic location: 5q23.1.
Variant type: single nucleotide variant.
Coding change: c.*6A>G on transcript NM_000414.4 (MANE Select); 6 bases downstream of the stop codon, A replaced by G.
Molecular consequence: 3 prime UTR variant. On other transcripts: non-coding transcript variant (2).
Genome position (GRCh38, 1-based): chr5:119,542,000, A>G. VCF-style: chr5-119542000-A-G. GRCh37 (hg19) VCF-style: chr5-118877695-A-G.
Other names: c.*6A>G (NM_001199291.3, NM_001199292.2, NM_001292027.2 and 8 more transcripts).
Identifiers: ClinVar variation 226663 (VCV000226663.16), dbSNP rs111671384, ClinGen allele CA3382547.
Genomic context (GRCh38, chr5:119,542,000, plus strand): 5'-CATCATGCTGAGCCAGAAACTTCAGATGATTCTTAAAGACTACGCCAAGCTCTGAAGGGC[A>G]CACTACACTATTAATAAAAATGGAATCATTAAATACTCTCTTCACCCAAATATGCTTGAT-3'

ClinVar aggregate classification (germline): Benign. Review status: criteria provided, multiple submitters, no conflicts (2 of 4 stars). 7 submissions from 6 submitters: Benign (5). 2 of the submissions do not count toward it. Last evaluated 2019-05-06.

Conditions:
Bifunctional peroxisomal enzyme deficiency (DBIF). Also called: PBFE DEFICIENCY; DBP DEFICIENCY; D-bifunctional protein deficiency. Identifiers: Orphanet 300, MedGen C0342870, MONDO:0009855, OMIM 261515. Disease mechanism: loss of function.
Perrault syndrome 1 (PRLTS1). Also called: GONADAL DYSGENESIS, XX TYPE, WITH DEAFNESS; OVARIAN DYSGENESIS WITH SENSORINEURAL DEAFNESS. Identifiers: Orphanet 2855, Orphanet 642945, MedGen C4551721, MONDO:0009300, OMIM 233400.

Allele frequency attached by ClinVar (database versions not stated): gnomAD exomes 0.00069 and 0.00189; gnomAD 0.00730 and 0.00777; 1000 Genomes Project 0.00779; ESP Exome Variant Server 0.00807; 1000 Genomes Project 30x 0.00812; ExAC 0.00247; TOPMed 0.00816.
gnomAD v4.1: 2,156 of 1,570,708 alleles (0.14%); highest among the groups gnomAD compares: African/African-American, 2.6%; 32 homozygotes.

Submissions (7):

GeneDx
Classification: Benign. Last evaluated: 2019-05-06. Review status: criteria provided, single submitter. Criteria: GeneDx Variant Classification Process June 2021. Collection method: clinical testing. Allele origin: germline. Affected: yes.

Athena Diagnostics
Classification: Benign. Last evaluated: 2019-03-04. Review status: criteria provided, single submitter. Criteria: Athena Diagnostics Criteria. Collection method: clinical testing. Allele origin: germline.

Illumina Laboratory Services, Illumina
Classification: Benign for Perrault syndrome 1. Last evaluated: 2018-01-12. Review status: criteria provided, single submitter. Criteria: ICSL Variant Classification Criteria 13 December 2019. Collection method: clinical testing. Allele origin: germline.
Comment: This variant was observed in the ICSL laboratory as part of a predisposition screen in an ostensibly healthy population. It had not been previously curated by ICSL or reported in the Human Gene Mutation Database (HGMD: prior to June 1st, 2018), and was therefore a candidate for classification through an automated scoring system. Utilizing variant allele frequency, disease prevalence and penetrance estimates, and inheritance mode, an automated score was calculated to assess if this variant is too frequent to cause the disease. Based on the score and internal cut-off values, a variant classified as benign is not then subjected to further curation. The score for this variant resulted in a classification of benign for this disease.

Illumina Laboratory Services, Illumina
Classification: Benign for Bifunctional peroxisomal enzyme deficiency. Last evaluated: 2018-01-12. Review status: criteria provided, single submitter. Criteria: ICSL Variant Classification Criteria 13 December 2019. Collection method: clinical testing. Allele origin: germline.
Comment: the same text as in the submission from Illumina Laboratory Services, Illumina above.

Laboratory for Molecular Medicine, Mass General Brigham Personalized Medicine
Classification: Benign. Last evaluated: 2014-11-24. Review status: criteria provided, single submitter. Criteria: LMM Criteria. Collection method: clinical testing. Allele origin: germline. Observed: 6 variant alleles.
Comment: *6A>G in exon 25 of HSD17B4: This variant is not expected to have clinical signi ficance because it has been identified in 2.4% (105/4404) of African American ch romosomes from a broad population by the NHLBI Exome Sequencing Project (dbSNP rs111671384).

Natera, Inc.
Classification: Benign for Bifunctional peroxisomal enzyme deficiency. Last evaluated: 2020-09-16. Review status: no assertion criteria provided. Collection method: clinical testing. Allele origin: germline. Not counted in ClinVar's aggregate classification.

Mayo Clinic Laboratories, Mayo Clinic
Classification: Benign. Last evaluated: 2017-08-17. Review status: no assertion criteria provided. Collection method: clinical testing. Allele origin: unknown. Not counted in ClinVar's aggregate classification.